The following is an entry in ClinVar:

ClinVar aggregate classification (germline): Uncertain significance (1 of 4 stars; one submission).

gnomAD v4.1: 35 of 1,614,196 alleles (0.0022%); highest among the groups gnomAD compares: Non-Finnish European, 0.0028%; no homozygotes.

Submission:

Labcorp Genetics (formerly Invitae), Labcorp
Classification: Uncertain significance. Last evaluated: 2022-12-04. Review status: criteria provided, single submitter. Criteria: Invitae Variant Classification Sherloc (09022015). Collection method: clinical testing. Allele origin: germline.
Comment: In summary, the available evidence is currently insufficient to determine the role of this variant in disease. Therefore, it has been classified as a Variant of Uncertain Significance. Algorithms developed to predict the effect of missense changes on protein structure and function (SIFT, PolyPhen-2, Align-GVGD) all suggest that this variant is likely to be tolerated. This variant has not been reported in the literature in individuals affected with FBXW4-related conditions. This variant is present in population databases (rs776370078, gnomAD 0.009%). This sequence change replaces tyrosine, which is neutral and polar, with serine, which is neutral and polar, at codon 357 of the FBXW4 protein (p.Tyr357Ser).

NM_022039.4(FBXW4):c.1535A>C (p.Tyr512Ser)

Gene: FBXW4 (F-box and WD repeat domain containing 4; minus strand). Cytogenetic location: 10q24.32.
Variant type: single nucleotide variant.
Coding change: c.1535A>C on transcript NM_022039.4 (MANE Select); coding-DNA position 1535, A replaced by C.
Protein change: p.Tyr512Ser; replaces tyrosine 512 with serine.
Molecular consequence: missense variant. On other transcripts: non-coding transcript variant (1).
Genome position (GRCh38, 1-based): chr10:101,611,677, T>G on the plus strand (A>C on the coding strand, the complement: FBXW4 is on the minus strand). VCF-style: chr10-101611677-T-G. GRCh37 (hg19) VCF-style: chr10-103371434-T-G.
Other names: c.809A>C, p.Tyr270Ser (NM_001323541.2); short protein forms Y512S, Y270S.
Identifiers: ClinVar variation 1988838 (VCV001988838.4), dbSNP rs776370078, ClinGen allele CA5657212.